The following is an entry in ClinVar:

ClinVar aggregate classification (germline): Uncertain significance (1 of 4 stars; one submission).

Conditions:
Peutz-Jeghers syndrome (PJS). Also called: POLYPOSIS, HAMARTOMATOUS INTESTINAL; POLYPS-AND-SPOTS SYNDROME; Peutz-Jeghers polyposis; Periorificial lentiginosis syndrome. Identifiers: Orphanet 2869, MedGen C0031269, MeSH D010580, MONDO:0008280, OMIM 175200.

Submission:

Labcorp Genetics (formerly Invitae), Labcorp
Classification: Uncertain significance for Peutz-Jeghers syndrome. Last evaluated: 2021-11-23. Review status: criteria provided, single submitter. Criteria: Invitae Variant Classification Sherloc (09022015). Collection method: clinical testing. Allele origin: germline.
Comment: This variant results in a copy number gain of the genomic region encompassing exon(s) 1-7 of the STK11 gene. This region includes the initiator codon of the gene. This copy number gain extends beyond the assayed region for this gene and therefore may encompass additional genes. As the precise location of this event is unknown, it may be in tandem or it may be located elsewhere in the genome. This variant has not been reported in the literature in individuals affected with STK11-related conditions. In summary, the available evidence is currently insufficient to determine the role of this variant in disease. Therefore, it has been classified as a Variant of Uncertain Significance.

NC_000019.9:g.(?_1206913)_(1222015_?)dup

Gene: STK11 (serine/threonine kinase 11; plus strand). Cytogenetic location: 19p13.3.
Variant type: Duplication.
Identifiers: ClinVar variation 1003076 (VCV001003076.2).